The following is an entry in ClinVar:

ClinVar aggregate classification (germline): Conflicting classifications of pathogenicity. Review status: criteria provided, conflicting classifications (1 of 4 stars). 4 submissions from 4 submitters: Likely pathogenic (2); Uncertain significance (1). 1 of the submissions does not count toward it. Last evaluated 2025-09-15.

Conditions:
RBP3-related disorder. Also called: RBP3-related condition.
Retinal dystrophy. Also called: Inherited retinal dystrophy. Identifiers: Orphanet 71862, MedGen C0854723, MeSH D058499, MONDO:0019118, HP:0000556.

Allele frequency attached by ClinVar (database versions not stated): ExAC 0.00001; gnomAD 0.00001 and 0.00002; gnomAD exomes 0.00001; TOPMed 0.00001.
gnomAD v4.1: 38 of 1,614,010 alleles (0.0024%); highest among the groups gnomAD compares: African/African-American, 0.004%; no homozygotes.

Submissions (4):

GeneDx
Classification: Likely pathogenic. Last evaluated: 2025-09-15. Review status: criteria provided, single submitter. Criteria: GeneDx Variant Classification Process June 2021. Collection method: clinical testing. Allele origin: germline.
Comment: Not observed at significant frequency in large population cohorts (gnomAD); In silico analysis supports that this missense variant has a deleterious effect on protein structure/function; Has not been previously reported as pathogenic or benign in association with RBP3-related disorders to our knowledge; This variant is associated with the following publications: (PMID: 27377421)

Blueprint Genetics
Classification: Likely pathogenic for RBP3-related disorders. Last evaluated: 2024-02-13. Review status: criteria provided, single submitter. Criteria: ACMG Guidelines, 2015. Collection method: clinical testing. Allele origin: germline. Affected: yes. Observed: 3 variant alleles.

Labcorp Genetics (formerly Invitae), Labcorp
Classification: Uncertain significance. Last evaluated: 2022-08-31. Review status: criteria provided, single submitter. Criteria: Invitae Variant Classification Sherloc (09022015). Collection method: clinical testing. Allele origin: germline.
Comment: This sequence change replaces proline, which is neutral and non-polar, with serine, which is neutral and polar, at codon 1213 of the RBP3 protein (p.Pro1213Ser). This variant is present in population databases (rs782519239, gnomAD 0.004%). This variant has not been reported in the literature in individuals affected with RBP3-related conditions. ClinVar contains an entry for this variant (Variation ID: 865982). Algorithms developed to predict the effect of missense changes on protein structure and function (SIFT, PolyPhen-2, Align-GVGD) all suggest that this variant is likely to be disruptive. In summary, the available evidence is currently insufficient to determine the role of this variant in disease. Therefore, it has been classified as a Variant of Uncertain Significance.

Institute of Human Genetics, Univ. Regensburg, Univ. Regensburg
Classification: Uncertain significance for Retinal dystrophy. Last evaluated: 2019-01-01. Review status: no assertion criteria provided. Criteria: ACMG Guidelines, 2015. Collection method: clinical testing. Allele origin: germline. Affected: yes. Not counted in ClinVar's aggregate classification.

NM_002900.3(RBP3):c.3637C>T (p.Pro1213Ser)

Gene: RBP3 (retinol binding protein 3; plus strand). Cytogenetic location: 10q11.22.
Variant type: single nucleotide variant.
Coding change: c.3637C>T on transcript NM_002900.3 (MANE Select); coding-DNA position 3637, C replaced by T.
Protein change: p.Pro1213Ser; replaces proline 1213 with serine.
Molecular consequence: missense variant.
Genome position (GRCh38, 1-based): chr10:47,357,350, C>T. VCF-style: chr10-47357350-C-T. GRCh37 (hg19) VCF-style: chr10-48382012-G-A.
Other names: short protein forms P1213S.
Identifiers: ClinVar variation 865982 (VCV000865982.8), dbSNP rs782519239, ClinGen allele CA5486995.